The following is an entry in ClinVar:

ClinVar aggregate classification (germline): Conflicting classifications of pathogenicity. Review status: criteria provided, conflicting classifications (1 of 4 stars). 11 submissions from 9 submitters: Uncertain significance (1); Likely benign (9). 1 of the submissions does not count toward it. Last evaluated 2026-02-01.

Conditions:
DSP-related disorder. Also called: DSP-related condition; DSP-related disorders.
Cardiovascular phenotype. Identifiers: MedGen CN230736.
Arrhythmogenic right ventricular dysplasia 8 (ARVD8). Also called: Arrhythmogenic Right Ventricular Dysplasia/Cardiomyopathy 8; ARRHYTHMOGENIC RIGHT VENTRICULAR DYSPLASIA, FAMILIAL, 8; ARRHYTHMOGENIC RIGHT VENTRICULAR CARDIOMYOPATHY 8. Identifiers: MedGen C1843896, MONDO:0011831, OMIM 607450.
Arrhythmogenic cardiomyopathy with wooly hair and keratoderma. Also called: PALMOPLANTAR KERATODERMA WITH LEFT VENTRICULAR CARDIOMYOPATHY AND WOOLLY HAIR; Arrhythmogenic cardiomyopathy with woolly hair and keratoderma; Carvajal syndrome; Dilated cardiomyopathy with woolly hair and keratoderma. Identifiers: Orphanet 65282, MedGen C1854063, MONDO:0011581, OMIM 605676.
Cardiomyopathy (CMYO). Also called: Cardiomyopathies. Identifiers: Orphanet 167848, MedGen C0878544, MONDO:0004994, HP:0001638. Inheritance: Various modes of inheritance.
Lethal acantholytic epidermolysis bullosa (EBLA). Identifiers: Orphanet 158687, MedGen C1864826, MONDO:0012323, OMIM 609638.
Woolly hair-skin fragility syndrome (WHSF). Identifiers: Orphanet 293165, MedGen C1843292, MONDO:0957307, OMIM 620415.

Allele frequency attached by ClinVar (database versions not stated): gnomAD 0.00001 and 0.00013; TOPMed 0.00004; 1000 Genomes Project 0.00020; gnomAD exomes 0.00022 and 0.00044; 1000 Genomes Project 30x 0.00047; ExAC 0.00051.
gnomAD v4.1: 353 of 1,614,142 alleles (0.022%); highest among the groups gnomAD compares: South Asian, 0.34%; 1 homozygote.

Submissions (11):

Labcorp Genetics (formerly Invitae), Labcorp
Classification: Likely benign for Arrhythmogenic cardiomyopathy with wooly hair and keratoderma; Arrhythmogenic right ventricular dysplasia 8. Last evaluated: 2026-02-01. Review status: criteria provided, single submitter. Criteria: Invitae Variant Classification Sherloc (09022015). Collection method: clinical testing. Allele origin: germline.

Blueprint Genetics
Classification: Likely benign. Last evaluated: 2024-10-18. Review status: criteria provided, single submitter. Criteria: ACMG Guidelines, 2015. Collection method: clinical testing. Allele origin: germline.

All of Us Research Program, National Institutes of Health
Classification: Likely benign for Arrhythmogenic cardiomyopathy with wooly hair and keratoderma. Last evaluated: 2024-08-13. Review status: criteria provided, single submitter. Criteria: ACMG Guidelines, 2015. Collection method: clinical testing. Allele origin: germline. Inheritance: Autosomal dominant inheritance. Observed: 19 variant alleles, 19 heterozygotes.
Comment: This study involves interpretation of variants in research participants for the purpose of population health screening. Participant phenotype was not available at the time of variant classification. Additional details can be found in publication PMID: 35346344, PMCID: PMC8962531

GeneDx
Classification: Likely benign. Last evaluated: 2020-09-08. Review status: criteria provided, single submitter. Criteria: GeneDx Variant Classification Process June 2021. Collection method: clinical testing. Allele origin: germline. Affected: yes.
Comment: This variant is associated with the following publications: (PMID: 21636032)

Ambry Genetics
Classification: Likely benign for Cardiovascular phenotype. Last evaluated: 2019-06-24. Review status: criteria provided, single submitter. Criteria: Ambry Variant Classification Scheme 2023. Collection method: clinical testing. Allele origin: germline.

Color Diagnostics, LLC DBA Color Health
Classification: Likely benign for Cardiomyopathy. Last evaluated: 2018-10-10. Review status: criteria provided, single submitter. Criteria: ACMG Guidelines, 2015. Collection method: clinical testing. Allele origin: germline.

ARUP Laboratories, Molecular Genetics and Genomics, ARUP Laboratories
Classification: Uncertain significance. Last evaluated: 2018-06-20. Review status: criteria provided, single submitter. Criteria: ARUP Molecular Germline Variant Investigation Process. Collection method: clinical testing. Allele origin: germline.
Comment: The p.Asn1865Tyr variant (rs562015789) was reported in one individual from a healthy cohort of 427 subjects of various ethnic backgrounds (Kapplinger 211). This variant is listed in the Genome Aggregation Database (gnomAD) with a frequency of 0.3 percent in the South Asian population (identified on 99 out of 30,782 chromosomes, including 1 homozygote), and has been reported to the ClinVar database (Variation ID: 357959). The asparagine at position 1865 is moderately conserved considering 12 species (Alamut v2.11) and computational analyses of the p.Asn1865Tyr variant on protein structure and function indicates a deleterious effect (SIFT: damaging, PolyPhen-2: possibly damaging). Altogether, there is not enough evidence to classify the p.Asn1865Tyr variant with certainty.

Illumina Laboratory Services, Illumina
Classification: Likely benign for Arrhythmogenic right ventricular dysplasia 8. Last evaluated: 2017-04-27. Review status: criteria provided, single submitter. Criteria: ICSL Variant Classification Criteria 13 December 2019. Collection method: clinical testing. Allele origin: germline.
Comment: This variant was observed as part of a predisposition screen in an ostensibly healthy population. A literature search was performed for the gene, cDNA change, and amino acid change (where applicable). Publications were found based on this search. The evidence from the literature, in combination with allele frequency data from public databases where available, was sufficient to determine this variant is unlikely to cause disease. Therefore, this variant is classified as likely benign.

Illumina Laboratory Services, Illumina
Classification: Likely benign for Lethal acantholytic epidermolysis bullosa. Last evaluated: 2017-04-27. Review status: criteria provided, single submitter. Criteria: ICSL Variant Classification Criteria 13 December 2019. Collection method: clinical testing. Allele origin: germline.
Comment: This variant was observed as part of a predisposition screen in an ostensibly healthy population. A literature search was performed for the gene, cDNA change, and amino acid change (where applicable). No publications were found based on this search. Allele frequency data from public databases allowed determination this variant is unlikely to cause disease. Therefore, this variant is classified as likely benign.

Illumina Laboratory Services, Illumina
Classification: Likely benign for Arrhythmogenic cardiomyopathy with wooly hair and keratoderma. Last evaluated: 2017-04-27. Review status: criteria provided, single submitter. Criteria: ICSL Variant Classification Criteria 13 December 2019. Collection method: clinical testing. Allele origin: germline.
Comment: the same text as in the submission from Illumina Laboratory Services, Illumina above.

PreventionGenetics, part of Exact Sciences
Classification: Likely benign for DSP-related condition. Last evaluated: 2022-02-27. Review status: no assertion criteria provided. Collection method: clinical testing. Allele origin: germline. Not counted in ClinVar's aggregate classification.
Comment: This variant is classified as likely benign based on ACMG/AMP sequence variant interpretation guidelines (Richards et al. 2015 PMID: 25741868, with internal and published modifications).

Literature cited by the submitters: PubMed 21636032 (cited by Ambry Genetics and Illumina Laboratory Services, Illumina); PubMed 29802319 (cited by Ambry Genetics).

NM_004415.4(DSP):c.5593A>T (p.Asn1865Tyr)

Gene: DSP (desmoplakin; plus strand). Cytogenetic location: 6p24.3.
Variant type: single nucleotide variant.
Coding change: c.5593A>T on transcript NM_004415.4 (MANE Select); coding-DNA position 5593, A replaced by T.
Protein change: p.Asn1865Tyr; replaces asparagine 1865 with tyrosine.
Molecular consequence: missense variant.
Genome position (GRCh38, 1-based): chr6:7,582,855, A>T. VCF-style: chr6-7582855-A-T. GRCh37 (hg19) VCF-style: chr6-7583088-A-T.
Other names: c.5593A>T (LRG_423t1, NM_004415.3); c.3796A>T, p.Asn1266Tyr (NM_001008844.3); c.4264A>T, p.Asn1422Tyr (NM_001319034.2); short protein forms N1865Y, N1422Y, N1266Y.
Identifiers: ClinVar variation 357959 (VCV000357959.44), dbSNP rs562015789, ClinGen allele CA045279.